The following is an entry in ClinVar:

ClinVar aggregate classification (germline): Likely benign (1 of 4 stars; one submission).

Allele frequency attached by ClinVar (database versions not stated): ExAC 0.00001; gnomAD exomes 0.00001; TOPMed 0.00004.
gnomAD v4.1: 12 of 1,614,016 alleles (0.00074%); highest among the groups gnomAD compares: East Asian, 0.0022%; no homozygotes.

Submission:

CeGaT Center for Human Genetics Tuebingen
Classification: Likely benign. Last evaluated: 2022-06-01. Review status: criteria provided, single submitter. Criteria: CeGaT Center For Human Genetics Tuebingen Variant Classification Criteria Version 2. Collection method: clinical testing. Allele origin: germline. Affected: yes. Observed: 1 variant allele.
Comment: TRIO: BP4, BP7

NM_007118.4(TRIO):c.6441C>T (p.Asn2147=)

Gene: TRIO (trio Rho guanine nucleotide exchange factor; plus strand). Cytogenetic location: 5p15.2.
Variant type: single nucleotide variant.
Coding change: c.6441C>T on transcript NM_007118.4 (MANE Select); coding-DNA position 6441, C replaced by T.
Protein change: p.Asn2147=; no amino-acid change (asparagine 2147 retained).
Molecular consequence: synonymous variant. On other transcripts: non-coding transcript variant (1).
Genome position (GRCh38, 1-based): chr5:14,481,594, C>T. VCF-style: chr5-14481594-C-T. GRCh37 (hg19) VCF-style: chr5-14481703-C-T.
Identifiers: ClinVar variation 2655335 (VCV002655335.24), dbSNP rs777555501, ClinGen allele CA3207117.